The following is an entry in ClinVar:

NM_000264.5(PTCH1):c.1755_1757delinsGG (p.Phe585fs)

Genes: PTCH1 (patched 1; minus strand), LOC100507346 (uncharacterized LOC100507346; plus strand). Cytogenetic location: 9q22.32.
Variant type: Indel.
Coding change: c.1755_1757delinsGG on transcript NM_000264.5 (MANE Select); coding-DNA positions 1755 to 1757, TGC replaced by GG.
Protein change: p.Phe585fs; shifts the reading frame from phenylalanine 585.
Molecular consequence: frameshift variant. On other transcripts: non-coding transcript variant (2).
Genome position (GRCh38, 1-based): chr9:95,469,903-95,469,905, GCA replaced by CC on the plus strand (TGC replaced by GG on the coding strand, the reverse complement: PTCH1 is on the minus strand). VCF-style: chr9-95469903-GCA-CC. GRCh37 (hg19) VCF-style: chr9-98232185-GCA-CC.
Other names: c.1557_1559delinsGG, p.Phe519fs (NM_001083602.3); c.1752_1754delinsGG, p.Phe584fs (NM_001083603.3); c.1302_1304delinsGG, p.Phe434fs (NM_001083604.3, NM_001083605.3, NM_001083606.3 and 1 more transcripts); c.1599_1601delinsGG, p.Phe533fs (NM_001354918.2); short protein forms F519fs, F434fs, F533fs, F584fs, F585fs.
Identifiers: ClinVar variation 453799 (VCV000453799.1), dbSNP rs1554695612, ClinGen allele CA658656034.
Genomic context (GRCh38, chr9:95,469,903, plus strand): 5'-CTGTCCTCGCGTCGATATAAATCCATGCTGAGAATTGCAGGAAAAATGAGCAGAACCATG[GCA>CC]AAATTGAACACCACTACTACCGCTGCCTGGGAGCAGAAAAAAAATTCAGAGGTCACCAAC-3'

ClinVar aggregate classification (germline): Pathogenic (1 of 4 stars; one submission).

Conditions:
Gorlin syndrome. Also called: Basal cell nevus syndrome; Nevoid Basal Cell Carcinoma Syndrome. Identifiers: Orphanet 377, MedGen C0004779, MONDO:0007187.

Submission:

Labcorp Genetics (formerly Invitae), Labcorp
Classification: Pathogenic for Gorlin syndrome. Last evaluated: 2017-03-16. Review status: criteria provided, single submitter. Criteria: Invitae Variant Classification Sherloc (09022015). Collection method: clinical testing. Allele origin: germline.
Comment: This sequence change deletes 3 nucleotide and inserts 2 nucleotides in exon 13 of the PTCH1 mRNA (c.1755_1757delinsGG), causing a frameshift at codon 585. This creates a premature translational stop signal (p.Met587Trpfs*36) and is expected to result in an absent or disrupted protein product. While this particular variant has not been reported in the literature, loss-of-function variants in PTCH1 are known to be pathogenic (PMID: 16301862, 16419085). For these reasons, this variant has been classified as Pathogenic.